The following is an entry in ClinVar:

ClinVar aggregate classification (germline): Uncertain significance (1 of 4 stars; one submission).

gnomAD v4.1: 1 of 1,613,596 alleles (0.000062%); highest among the groups gnomAD compares: Admixed American, 0.0017%; no homozygotes.

Submission:

Labcorp Genetics (formerly Invitae), Labcorp
Classification: Uncertain significance. Last evaluated: 2025-04-07. Review status: criteria provided, single submitter. Criteria: Invitae Variant Classification Sherloc (09022015). Collection method: clinical testing. Allele origin: germline.
Comment: This sequence change replaces proline, which is neutral and non-polar, with arginine, which is basic and polar, at codon 231 of the NALCN protein (p.Pro231Arg). This variant is not present in population databases (gnomAD no frequency). This variant has not been reported in the literature in individuals affected with NALCN-related conditions. Invitae Evidence Modeling of protein sequence and biophysical properties (such as structural, functional, and spatial information, amino acid conservation, physicochemical variation, residue mobility, and thermodynamic stability) indicates that this missense variant is not expected to disrupt NALCN protein function with a negative predictive value of 80%. In summary, the available evidence is currently insufficient to determine the role of this variant in disease. Therefore, it has been classified as a Variant of Uncertain Significance.

NM_052867.4(NALCN):c.692C>G (p.Pro231Arg)

Gene: NALCN (sodium leak channel, non-selective; minus strand). Cytogenetic location: 13q33.1.
Variant type: single nucleotide variant.
Coding change: c.692C>G on transcript NM_052867.4 (MANE Select); coding-DNA position 692, C replaced by G.
Protein change: p.Pro231Arg; replaces proline 231 with arginine.
Molecular consequence: missense variant.
Genome position (GRCh38, 1-based): chr13:101,345,373, G>C on the plus strand (C>G on the coding strand, the complement: NALCN is on the minus strand). VCF-style: chr13-101345373-G-C. GRCh37 (hg19) VCF-style: chr13-101997724-G-C.
Other names: c.692C>G, p.Pro231Arg (NM_001350748.2, NM_001350749.2, NM_001350750.2 and 1 more transcripts); short protein forms P231R.
Identifiers: ClinVar variation 3626691 (VCV003626691.2).